The following is an entry in ClinVar:

ClinVar aggregate classification (germline): Uncertain significance (1 of 4 stars; one submission).

Conditions:
Neurodevelopmental disorder with cataracts, poor growth, and dysmorphic facies. Identifiers: MedGen C5231414, MONDO:0032817, OMIM 618571.

Allele frequency attached by ClinVar (database versions not stated): TOPMed 0.00002; gnomAD 0.00007; ExAC 0.00027; 1000 Genomes Project 30x 0.00156; 1000 Genomes Project 0.00200.

Submission:

Neuberg Centre For Genomic Medicine, NCGM
Classification: Uncertain significance for Neurodevelopmental disorder with cataracts, poor growth, and dysmorphic facies. Review status: criteria provided, single submitter. Criteria: ACMG Guidelines, 2015. Collection method: clinical testing. Allele origin: germline. Inheritance: Autosomal recessive inheritance. Affected: yes.
Comment: The observed missense variant c.5947G>A(p.Asp1983Asn) in INTS1 gene has not been reported previously as a pathogenic variant nor as a benign variant, to our knowledge. This variant is reported with the allele frequency 0.01% in the gnomAD Exomes. The amino acid Aspartic acid at position 1983 is changed to a Asparagine changing protein sequence and it might alter its composition and physico-chemical properties. The residue is conserved by GERP++ and PhyloP across 100 vertebrates. For these reasons, this variant has been classified as Uncertain Significance.

NM_001080453.3(INTS1):c.5947G>A (p.Asp1983Asn)

Gene: INTS1 (integrator complex subunit 1; minus strand). Cytogenetic location: 7p22.3.
Variant type: single nucleotide variant.
Coding change: c.5947G>A on transcript NM_001080453.3 (MANE Select); coding-DNA position 5947, G replaced by A.
Protein change: p.Asp1983Asn; replaces aspartic acid 1983 with asparagine.
Molecular consequence: missense variant.
Genome position (GRCh38, 1-based): chr7:1,473,576, C>T on the plus strand (G>A on the coding strand, the complement: INTS1 is on the minus strand). VCF-style: chr7-1473576-C-T. GRCh37 (hg19) VCF-style: chr7-1513212-C-T.
Other names: c.2464G>A, p.Asp822Asn (NM_015674.1); short protein forms D1983N, D822N.
Identifiers: ClinVar variation 3242105 (VCV003242105.1), dbSNP rs530171192.
Genomic context (GRCh38, chr7:1,473,576, plus strand): 5'-TGGACCCTCGCCGGAGGCCCGAGGCTTCCCTGCAGCCCGTGGGCACTCACTGGAGCGGGT[C>T]GGCGTGCTTCTGCAGGAAGGAGATGGCTGCTGGGGCATTGTAGGTAATGTACTTATGGAT-3'
Protein context (NP_001073922.2, residues 1973-1993): AAISFLQKHA[Asp1983Asn]PLHDLSFDNS